The following is an entry in ClinVar:

NM_000277.3(PAH):c.1316-35C>T

Gene: PAH (phenylalanine hydroxylase; minus strand). Cytogenetic location: 12q23.2.
Variant type: single nucleotide variant.
Coding change: c.1316-35C>T on transcript NM_000277.3 (MANE Select); 35 bases into the intron before coding-DNA position 1316, C replaced by T.
Molecular consequence: intron variant.
Genome position (GRCh38, 1-based): chr12:102,839,253, G>A on the plus strand (C>T on the coding strand, the complement: PAH is on the minus strand). VCF-style: chr12-102839253-G-A. GRCh37 (hg19) VCF-style: chr12-103233031-G-A.
Other names: c.1316-35C>T (NM_001354304.2).
Identifiers: ClinVar variation 102592 (VCV000102592.19), dbSNP rs62509021, ClinGen allele CA229433.

ClinVar aggregate classification (germline): Benign. Review status: reviewed by expert panel (3 of 4 stars). 6 submissions from 6 submitters: Benign (1). 5 of the submissions do not count toward it. Last evaluated 2020-03-27.

Conditions:
Phenylketonuria (PKU). Also called: Phenylketonurias; OLIGOPHRENIA PHENYLPYRUVICA; FOLLING DISEASE; Phenylketonuria (PKU). Identifiers: Orphanet 716, MedGen C0031485, MONDO:0009861, OMIM 261600. Disease mechanism: loss of function.

Allele frequency attached by ClinVar (database versions not stated): 1000 Genomes Project 0.01058; 1000 Genomes Project 30x 0.01124; gnomAD exomes 0.01609 and 0.02228; ExAC 0.01625; TOPMed 0.01647; gnomAD 0.01663 and 0.01677; ESP Exome Variant Server 0.01845.
gnomAD v4.1: 35,028 of 1,607,542 alleles (2.2%); highest among the groups gnomAD compares: Non-Finnish European, 2.5%; 478 homozygotes.

Submissions (6):

ClinGen PAH Variant Curation Expert Panel
Classification: Benign for Phenylketonuria. Last evaluated: 2020-03-27. Review status: reviewed by expert panel. Criteria: ClinGen PAH ACMG Specifications v1. Collection method: curation. Allele origin: germline. Inheritance: Autosomal recessive inheritance.
Comment: The c.1316-35C>T variant in PAH has a MAF of 0.02321 in the gnomAD European (Non-Finnish) population. This intronic variant does not have a predicted impact on splicing. In summary this variant meets criteria to be classified as benign. PAH-specific ACMG/AMP criteria applied: BA1, BP7

CeGaT Center for Human Genetics Tuebingen
Classification: Benign. Last evaluated: 2026-09-01. Review status: criteria provided, single submitter. Criteria: CeGaT Center For Human Genetics Tuebingen Variant Classification Criteria Version 2. Collection method: clinical testing. Allele origin: germline. Affected: yes. Observed: 23 variant alleles. Not counted in ClinVar's aggregate classification.
Comment: PAH: BS1, BS2

GeneDx
Classification: Benign. Last evaluated: 2015-03-03. Review status: criteria provided, single submitter. Criteria: GeneDx Variant Classification Process June 2021. Collection method: clinical testing. Allele origin: germline. Affected: yes. Not counted in ClinVar's aggregate classification.

Breakthrough Genomics
Classification: Benign. Review status: criteria provided, single submitter. Criteria: ACMG Guidelines, 2015. Collection method: not provided. Allele origin: germline. Inheritance: Autosomal recessive inheritance. Affected: yes. Not counted in ClinVar's aggregate classification.

PreventionGenetics, part of Exact Sciences
Classification: Benign. Review status: criteria provided, single submitter. Criteria: ACMG Guidelines, 2015. Collection method: clinical testing. Allele origin: germline. Not counted in ClinVar's aggregate classification.

DeBelle Laboratory for Biochemical Genetics, MUHC/MCH RESEARCH INSTITUTE
No classification provided. Review status: no classification provided. Collection method: not provided. Allele origin: not provided. Not counted in ClinVar's aggregate classification.